The following is an entry in ClinVar:

ClinVar aggregate classification (germline): Uncertain significance (1 of 4 stars; one submission).

Conditions:
Cone-rod dystrophy 6 (CORD6). Also called: Cone dystrophy progressive; RETINAL CONE DYSTROPHY 2. Identifiers: Orphanet 1872, MedGen C1866293, MONDO:0011143, OMIM 601777.
Leber congenital amaurosis 1 (LCA1). Also called: Congenital absence of the rods and cones; Leber's congenital tapetoretinal degeneration; Leber's congenital tapetoretinal dysplasia; AMAUROSIS CONGENITA OF LEBER I; RETINAL BLINDNESS, CONGENITAL. Identifiers: Orphanet 65, MedGen C2931258, MONDO:0008764, OMIM 204000.

Submission:

Labcorp Genetics (formerly Invitae), Labcorp
Classification: Uncertain significance for Leber congenital amaurosis 1; Cone-rod dystrophy 6. Last evaluated: 2023-09-26. Review status: criteria provided, single submitter. Criteria: Invitae Variant Classification Sherloc (09022015). Collection method: clinical testing. Allele origin: germline.
Comment: This variant is not present in population databases (gnomAD no frequency). In summary, the available evidence is currently insufficient to determine the role of this variant in disease. Therefore, it has been classified as a Variant of Uncertain Significance. Advanced modeling of protein sequence and biophysical properties (such as structural, functional, and spatial information, amino acid conservation, physicochemical variation, residue mobility, and thermodynamic stability) performed at Invitae indicates that this missense variant is not expected to disrupt GUCY2D protein function. This variant has not been reported in the literature in individuals affected with GUCY2D-related conditions. This sequence change replaces phenylalanine, which is neutral and non-polar, with leucine, which is neutral and non-polar, at codon 470 of the GUCY2D protein (p.Phe470Leu).

NM_000180.4(GUCY2D):c.1408T>C (p.Phe470Leu)

Gene: GUCY2D (guanylate cyclase 2D, retinal; plus strand). Cytogenetic location: 17p13.1.
Variant type: single nucleotide variant.
Coding change: c.1408T>C on transcript NM_000180.4 (MANE Select); coding-DNA position 1408, T replaced by C.
Protein change: p.Phe470Leu; replaces phenylalanine 470 with leucine.
Molecular consequence: missense variant.
Genome position (GRCh38, 1-based): chr17:8,007,089, T>C. VCF-style: chr17-8007089-T-C. GRCh37 (hg19) VCF-style: chr17-7910407-T-C.
Other names: short protein forms F470L.
Identifiers: ClinVar variation 2951976 (VCV002951976.3), dbSNP rs1975758807, ClinGen allele CA397948759.